The following is an entry in ClinVar:

NM_003282.4(TNNI2):c.368T>C (p.Leu123Pro)

Gene: TNNI2 (troponin I2, fast skeletal type; plus strand). Cytogenetic location: 11p15.5.
Variant type: single nucleotide variant.
Coding change: c.368T>C on transcript NM_003282.4 (MANE Select); coding-DNA position 368, T replaced by C.
Protein change: p.Leu123Pro; replaces leucine 123 with proline.
Molecular consequence: missense variant.
Genome position (GRCh38, 1-based): chr11:1,841,122, T>C. VCF-style: chr11-1841122-T-C. GRCh37 (hg19) VCF-style: chr11-1862352-T-C.
Other names: c.368T>C, p.Leu123Pro (NM_001145829.2, NM_001145841.2); short protein forms L123P.
Identifiers: ClinVar variation 1683605 (VCV001683605.2), dbSNP rs2133035437, ClinGen allele CA379106600.

ClinVar aggregate classification (germline): Uncertain significance (1 of 4 stars; one submission).

Conditions:
Distal arthrogryposis type 2B1 (DA2B1). Also called: Arthrogryposis multiplex congenita distal type II with craniofacial abnormalities. Identifiers: Orphanet 1147, MedGen C5193014, MONDO:0020820, OMIM 601680.

Submission:

Laboratorio de Genetica e Diagnostico Molecular, Hospital Israelita Albert Einstein
Classification: Uncertain significance for Distal arthrogryposis type 2B1. Last evaluated: 2021-10-22. Review status: criteria provided, single submitter. Criteria: ACMG Guidelines, 2015. Collection method: clinical testing. Allele origin: germline. Affected: yes.
Comment: ACMG classification criteria: PM2 moderate, PP3 supporting